The following is an entry in ClinVar:

NM_015378.4(VPS13D):c.10154A>G (p.Lys3385Arg)

Gene: VPS13D (vacuolar protein sorting 13 homolog D; plus strand). Cytogenetic location: 1p36.22.
Variant type: single nucleotide variant.
Coding change: c.10154A>G on transcript NM_015378.4 (MANE Select); coding-DNA position 10154, A replaced by G.
Protein change: p.Lys3385Arg; replaces lysine 3385 with arginine.
Molecular consequence: missense variant.
Genome position (GRCh38, 1-based): chr1:12,362,732, A>G. VCF-style: chr1-12362732-A-G. GRCh37 (hg19) VCF-style: chr1-12422788-A-G.
Other names: c.10079A>G, p.Lys3360Arg (NM_018156.4); c.10154A>G (NM_015378.2); short protein forms K3360R, K3385R.
Identifiers: ClinVar variation 3252213 (VCV003252213.2), dbSNP rs1210396015.

ClinVar aggregate classification (germline): Uncertain significance. Review status: criteria provided, multiple submitters, no conflicts (2 of 4 stars). 2 submissions from 2 submitters: Uncertain significance (2). Last evaluated 2025-09-01.

Conditions:
Inborn genetic diseases. Identifiers: MedGen C0950123, MeSH D030342.

Allele frequency attached by ClinVar (database versions not stated): TOPMed below 0.00001.

Submissions (2):

Ambry Genetics
Classification: Uncertain significance for Inborn genetic diseases. Last evaluated: 2025-09-01. Review status: criteria provided, single submitter. Criteria: Ambry Variant Classification Scheme 2023. Collection method: clinical testing. Allele origin: germline.

GeneDx
Classification: Uncertain significance. Last evaluated: 2023-12-06. Review status: criteria provided, single submitter. Criteria: GeneDx Variant Classification Process June 2021. Collection method: clinical testing. Allele origin: germline. Affected: yes.
Comment: Not observed at significant frequency in large population cohorts (gnomAD); In silico analysis supports that this missense variant has a deleterious effect on protein structure/function; Has not been previously published as pathogenic or benign to our knowledge